The following is an entry in ClinVar:

ClinVar aggregate classification (germline): Uncertain significance. Review status: criteria provided, multiple submitters, no conflicts (2 of 4 stars). 2 submissions from 2 submitters: Uncertain significance (2). Last evaluated 2024-09-17.

Conditions:
Exudative vitreoretinopathy 7. Identifiers: MedGen C4539767, MONDO:0033123, OMIM 617572.

Allele frequency attached by ClinVar (database versions not stated): TOPMed 0.00001; gnomAD exomes below 0.00001; gnomAD 0.00001.
gnomAD v4.1: 2 of 1,613,632 alleles (0.00012%); highest among the groups gnomAD compares: African/African-American, 0.0013%; no homozygotes.

Submissions (2):

GeneDx
Classification: Uncertain significance. Last evaluated: 2024-09-17. Review status: criteria provided, single submitter. Criteria: GeneDx Variant Classification Process June 2021. Collection method: clinical testing. Allele origin: germline. Affected: yes.
Comment: Not observed at significant frequency in large population cohorts (gnomAD); In silico analysis indicates that this missense variant does not alter protein structure/function; Has not been previously published as pathogenic or benign to our knowledge

Laboratorio de Genetica e Diagnostico Molecular, Hospital Israelita Albert Einstein
Classification: Uncertain significance for Exudative vitreoretinopathy 7. Last evaluated: 2023-01-13. Review status: criteria provided, single submitter. Criteria: ACMG Guidelines, 2015. Collection method: clinical testing. Allele origin: germline. Affected: yes.
Comment: ACMG classification criteria: PM2 moderated, PP2 supporting, BP4 supporting

NM_001904.4(CTNNB1):c.2140C>T (p.Pro714Ser)

Gene: CTNNB1 (catenin beta 1; plus strand). Cytogenetic location: 3p22.1.
Variant type: single nucleotide variant.
Coding change: c.2140C>T on transcript NM_001904.4 (MANE Select); coding-DNA position 2140, C replaced by T.
Protein change: p.Pro714Ser; replaces proline 714 with serine.
Molecular consequence: missense variant.
Genome position (GRCh38, 1-based): chr3:41,239,136, C>T. VCF-style: chr3-41239136-C-T. GRCh37 (hg19) VCF-style: chr3-41280627-C-T.
Other names: c.2140C>T, p.Pro714Ser (NM_001098209.2, NM_001098210.2); c.2119C>T, p.Pro707Ser (NM_001330729.2); c.2140C>T (NM_001904.3); short protein forms P707S, P714S.
Identifiers: ClinVar variation 2431676 (VCV002431676.3), dbSNP rs1260498461, ClinGen allele CA352237251.
Genomic context (GRCh38, chr3:41,239,136, plus strand): 5'-TCTCCTCTCTCTTTTGCCTTCCTTCTTGCCTATTTTGTTGACACCCTGACTCTTCTAGAT[C>T]CTAGCTATCGTTCTTTTCACTCTGGTGGATATGGCCAGGATGCCTTGGGTATGGACCCCA-3'
Protein context (NP_001895.1, residues 704-724): GEPLGYRQDD[Pro714Ser]SYRSFHSGGY